The following is an entry in ClinVar:

NM_019112.4(ABCA7):c.856del (p.Arg286fs)

Gene: ABCA7 (ATP binding cassette subfamily A member 7; plus strand). Cytogenetic location: 19p13.3.
Variant type: Deletion.
Coding change: c.856del on transcript NM_019112.4 (MANE Select); coding-DNA position 856, one base deleted (C; older notation c.856delC).
Protein change: p.Arg286fs; shifts the reading frame from arginine 286.
Molecular consequence: frameshift variant.
Genome position (GRCh38, 1-based): chr19:1,043,399, C deleted. VCF-style (leftmost placement, unchanged base first): chr19-1043398-AC-A. GRCh37 (hg19) VCF-style: chr19-1043397-AC-A.
Other names: short protein forms R286fs.
Identifiers: ClinVar variation 4987773 (VCV004987773.1).

ClinVar aggregate classification (germline): Uncertain significance (1 of 4 stars; one submission).

Conditions:
ABCA7-related disorder. Also called: ABCA7-related condition.

Submission:

PreventionGenetics, part of Exact Sciences
Classification: Uncertain significance for ABCA7-related condition. Last evaluated: 2025-09-09. Review status: criteria provided, single submitter. Criteria: ACMG Guidelines, 2015. Collection method: clinical testing. Allele origin: germline.
Comment: The ABCA7 c.856delC variant is predicted to result in a frameshift and premature protein termination (p.Arg286Alafs*2). To our knowledge, this variant has not been reported in the literature. This variant is reported in 0.0062% of alleles in individuals of European (Non-Finnish) descent in gnomAD. Loss of function is not an established mechanism of ABCA7-related disease. Although we suspect that this variant may be pathogenic, at this time, the clinical significance of this variant is uncertain due to the absence of conclusive functional and genetic evidence.